The following is an entry in ClinVar:

NM_000282.4(PCCA):c.1978A>T (p.Ser660Cys)

Gene: PCCA (propionyl-CoA carboxylase subunit alpha; plus strand). Cytogenetic location: 13q32.3.
Variant type: single nucleotide variant.
Coding change: c.1978A>T on transcript NM_000282.4 (MANE Select); coding-DNA position 1978, A replaced by T.
Protein change: p.Ser660Cys; replaces serine 660 with cysteine.
Molecular consequence: missense variant. On other transcripts: non-coding transcript variant (4), intron variant (2).
Genome position (GRCh38, 1-based): chr13:100,515,505, A>T. VCF-style: chr13-100515505-A-T. GRCh37 (hg19) VCF-style: chr13-101167759-A-T.
Other names: c.1900A>T, p.Ser634Cys (NM_001127692.3); c.1924A>T, p.Ser642Cys (NM_001352605.2); c.1834A>T, p.Ser612Cys (NM_001352606.2); c.1756A>T, p.Ser586Cys (NM_001352608.2); c.1033A>T, p.Ser345Cys (NM_001352610.2); c.979A>T, p.Ser327Cys (NM_001352611.2); c.889A>T, p.Ser297Cys (NM_001352612.2); c.1900-12170A>T (NM_001178004.2); and 1 more; short protein forms S297C, S642C, S660C, S612C, S634C, S327C, S345C, S586C.
Identifiers: ClinVar variation 2125759 (VCV002125759.4), dbSNP rs2549049281, ClinGen allele CA388640323.

ClinVar aggregate classification (germline): Uncertain significance (1 of 4 stars; one submission).

Conditions:
Propionic acidemia (PROP). Also called: GLYCINEMIA, KETOTIC; HYPERGLYCINEMIA WITH KETOACIDOSIS AND LEUKOPENIA; KETOTIC HYPERGLYCINEMIA. Identifiers: Orphanet 35, MedGen C0268579, MONDO:0011628, OMIM 606054, HP:0003571.

Submission:

Labcorp Genetics (formerly Invitae), Labcorp
Classification: Uncertain significance for Propionic acidemia. Last evaluated: 2022-04-28. Review status: criteria provided, single submitter. Criteria: Invitae Variant Classification Sherloc (09022015). Collection method: clinical testing. Allele origin: germline.
Comment: Advanced modeling of protein sequence and biophysical properties (such as structural, functional, and spatial information, amino acid conservation, physicochemical variation, residue mobility, and thermodynamic stability) performed at Invitae indicates that this missense variant is expected to disrupt PCCA protein function. This variant has not been reported in the literature in individuals affected with PCCA-related conditions. This variant is not present in population databases (gnomAD no frequency). This sequence change replaces serine, which is neutral and polar, with cysteine, which is neutral and slightly polar, at codon 660 of the PCCA protein (p.Ser660Cys). In summary, the available evidence is currently insufficient to determine the role of this variant in disease. Therefore, it has been classified as a Variant of Uncertain Significance.